The following is an entry in ClinVar:

ClinVar aggregate classification (germline): Likely pathogenic (1 of 4 stars; one submission).

Conditions:
Spastic paraplegia. Identifiers: MedGen C0037772, HP:0001258.

Submission:

Labcorp Genetics (formerly Invitae), Labcorp
Classification: Likely pathogenic for Spastic paraplegia. Last evaluated: 2022-10-27. Review status: criteria provided, single submitter. Criteria: Invitae Variant Classification Sherloc (09022015). Collection method: clinical testing. Allele origin: germline.
Comment: This variant has not been reported in the literature in individuals affected with SACS-related conditions. In summary, the currently available evidence indicates that the variant is pathogenic, but additional data are needed to prove that conclusively. Therefore, this variant has been classified as Likely Pathogenic. Algorithms developed to predict the effect of sequence changes on RNA splicing suggest that this variant may disrupt the consensus splice site. This variant is not present in population databases (gnomAD no frequency). This sequence change affects a splice site in intron 3 of the SACS gene. It is expected to disrupt RNA splicing. Variants that disrupt the donor or acceptor splice site typically lead to a loss of protein function (PMID: 16199547), and loss-of-function variants in SACS are known to be pathogenic (PMID: 18465152, 20876471).

Literature cited by the submitters: PubMed 16199547; PubMed 18465152; PubMed 20876471.

NM_014363.6(SACS):c.171+1_171+18del

Genes: SACS (sacsin molecular chaperone; minus strand), LOC130009366 (ATAC-STARR-seq lymphoblastoid silent region 5172; plus strand). Cytogenetic location: 13q12.12.
Variant type: Deletion.
Coding change: c.171+1_171+18del on transcript NM_014363.6 (MANE Select); the canonical splice donor site of the intron after coding-DNA position 171 through 18 bases into the intron after coding-DNA position 171, 18 bases deleted (GTAGGCGGTGGCCGGGGG).
Molecular consequence: splice donor variant.
Genome position (GRCh38, 1-based): chr13:23,375,101-23,375,118, CCCCCGGCCACCGCCTAC deleted on the plus strand (GTAGGCGGTGGCCGGGGG on the coding strand, the reverse complement: SACS is on the minus strand); deleting any 18 consecutive bases within chr13:23,375,101-23,375,119 gives the same sequence; the c. name uses the placement nearest the transcript's 3' end. VCF-style (leftmost placement, unchanged base first): chr13-23375100-GCCCCCGGCCACCGCCTAC-G. GRCh37 (hg19) VCF-style: chr13-23949239-GCCCCCGGCCACCGCCTAC-G.
Other names: c.-183+1_-183+18del (NM_001278055.2).
Identifiers: ClinVar variation 2810035 (VCV002810035.3), dbSNP rs2542501436, ClinGen allele CA2739277487.